The following is an entry in ClinVar:

ClinVar aggregate classification (germline): Uncertain significance (1 of 4 stars; one submission).

Conditions:
MC3R-related disorder. Also called: MC3R-related condition.

Submission:

PreventionGenetics, part of Exact Sciences
Classification: Uncertain significance for MC3R-related condition. Last evaluated: 2024-10-27. Review status: criteria provided, single submitter. Criteria: ACMG Guidelines, 2015. Collection method: clinical testing. Allele origin: germline.
Comment: The MC3R c.418G>A variant is predicted to result in the amino acid substitution p.Val140Ile. This variant (also reported as G529A, V177I) has been reported in obese individuals, and functional studies were inconclusive, with some indicating this variant behaved like wild type (Mencarelli et al. 2011. PubMed ID: 21047972; Yang et al. 2015. PubMed ID: 25798062). This variant is reported in 0.0054% of alleles in individuals of East Asian descent in gnomAD. At this time, the clinical significance of this variant is uncertain due to the absence of conclusive functional and genetic evidence.

NM_019888.3(MC3R):c.418G>A (p.Val140Ile)

Gene: MC3R (melanocortin 3 receptor; plus strand). Cytogenetic location: 20q13.2.
Variant type: single nucleotide variant.
Coding change: c.418G>A on transcript NM_019888.3 (MANE Select); coding-DNA position 418, G replaced by A.
Protein change: p.Val140Ile; replaces valine 140 with isoleucine.
Molecular consequence: missense variant.
Genome position (GRCh38, 1-based): chr20:56,249,261, G>A. VCF-style: chr20-56249261-G-A. GRCh37 (hg19) VCF-style: chr20-54824317-G-A.
Other names: short protein forms V140I.
Identifiers: ClinVar variation 4988271 (VCV004988271.1).